The following is an entry in ClinVar:

NM_013275.6(ANKRD11):c.1565C>A (p.Ser522Tyr)

Gene: ANKRD11 (ankyrin repeat domain 11; minus strand). Cytogenetic location: 16q24.3.
Variant type: single nucleotide variant.
Coding change: c.1565C>A on transcript NM_013275.6 (MANE Select); coding-DNA position 1565, C replaced by A.
Protein change: p.Ser522Tyr; replaces serine 522 with tyrosine.
Molecular consequence: missense variant.
Genome position (GRCh38, 1-based): chr16:89,284,977, G>T on the plus strand (C>A on the coding strand, the complement: ANKRD11 is on the minus strand). VCF-style: chr16-89284977-G-T. GRCh37 (hg19) VCF-style: chr16-89351385-G-T.
Other names: c.1565C>A, p.Ser522Tyr (NM_001256182.2, NM_001256183.2); short protein forms S522Y.
Identifiers: ClinVar variation 3637149 (VCV003637149.2).

ClinVar aggregate classification (germline): Uncertain significance (1 of 4 stars; one submission).

Conditions:
KBG syndrome (KBGS). Also called: ANKRD11-Related KBG Syndrome. Identifiers: Orphanet 2332, MedGen C0220687, MONDO:0007846, OMIM 148050.

Submission:

Labcorp Genetics (formerly Invitae), Labcorp
Classification: Uncertain significance for KBG syndrome. Last evaluated: 2024-07-31. Review status: criteria provided, single submitter. Criteria: Invitae Variant Classification Sherloc (09022015). Collection method: clinical testing. Allele origin: germline.
Comment: This sequence change replaces serine, which is neutral and polar, with tyrosine, which is neutral and polar, at codon 522 of the ANKRD11 protein (p.Ser522Tyr). This variant is not present in population databases (gnomAD no frequency). This variant has not been reported in the literature in individuals affected with ANKRD11-related conditions. Advanced modeling of protein sequence and biophysical properties (such as structural, functional, and spatial information, amino acid conservation, physicochemical variation, residue mobility, and thermodynamic stability) performed at Invitae indicates that this missense variant is not expected to disrupt ANKRD11 protein function with a negative predictive value of 95%. In summary, the available evidence is currently insufficient to determine the role of this variant in disease. Therefore, it has been classified as a Variant of Uncertain Significance.